The following is an entry in ClinVar:

ClinVar aggregate classification (germline): Conflicting classifications of pathogenicity. Review status: criteria provided, conflicting classifications (1 of 4 stars). 4 submissions from 3 submitters: Uncertain significance (3); Likely benign (1). Last evaluated 2023-08-04.

Conditions:
Emery-Dreifuss muscular dystrophy 4, autosomal dominant (EDMD4). Also called: EMERY-DREIFUSS MUSCULAR DYSTROPHY 4 WITH VARIABLE FEATURES. Identifiers: Orphanet 261, MedGen C2751807, MONDO:0013071, OMIM 612998.
Autosomal recessive ataxia, Beauce type. Also called: ATAXIA, RECESSIVE, OF BEAUCE; SYNE1 Deficiency; SYNE1-Related Autosomal Recessive Cerebellar Ataxia; Spinocerebellar ataxia, autosomal recessive 8. Identifiers: Orphanet 88644, MedGen C1853116, MONDO:0012549, OMIM 610743.

Allele frequency attached by ClinVar (database versions not stated): TOPMed 0.00001; ExAC 0.00002; gnomAD exomes 0.00002.
gnomAD v4.1: 10 of 1,614,246 alleles (0.00062%); highest among the groups gnomAD compares: South Asian, 0.0033%; no homozygotes.

Submissions (4):

Labcorp Genetics (formerly Invitae), Labcorp
Classification: Uncertain significance for Emery-Dreifuss muscular dystrophy 4, autosomal dominant; Autosomal recessive ataxia, Beauce type. Last evaluated: 2023-08-04. Review status: criteria provided, single submitter. Criteria: Invitae Variant Classification Sherloc (09022015). Collection method: clinical testing. Allele origin: germline.
Comment: In summary, the available evidence is currently insufficient to determine the role of this variant in disease. Therefore, it has been classified as a Variant of Uncertain Significance. An algorithm developed to predict the effect of missense changes on protein structure and function (PolyPhen-2) suggests that this variant is likely to be disruptive. ClinVar contains an entry for this variant (Variation ID: 907775). This variant has not been reported in the literature in individuals affected with SYNE1-related conditions. This variant is present in population databases (rs753335678, gnomAD 0.003%). This sequence change replaces serine, which is neutral and polar, with proline, which is neutral and non-polar, at codon 5726 of the SYNE1 protein (p.Ser5726Pro).

Revvity Omics, Revvity
Classification: Uncertain significance. Last evaluated: 2021-06-03. Review status: criteria provided, single submitter. Criteria: ACMG Guidelines, 2015. Collection method: clinical testing. Allele origin: germline.

Illumina Laboratory Services, Illumina
Classification: Likely benign for Emery-Dreifuss muscular dystrophy 4, autosomal dominant. Last evaluated: 2018-01-13. Review status: criteria provided, single submitter. Criteria: ICSL Variant Classification Criteria 13 December 2019. Collection method: clinical testing. Allele origin: germline.
Comment: This variant was observed in the ICSL laboratory as part of a predisposition screen in an ostensibly healthy population. It had not been previously curated by ICSL or reported in the Human Gene Mutation Database (HGMD: prior to June 1st, 2018), and was therefore a candidate for classification through an automated scoring system. Utilizing variant allele frequency, disease prevalence and penetrance estimates, and inheritance mode, an automated score was calculated to assess if this variant is too frequent to cause the disease. Based on the score and internal cut-off values, a variant classified as likely benign is not then subjected to further curation. The score for this variant resulted in a classification of likely benign for this disease.

Illumina Laboratory Services, Illumina
Classification: Uncertain significance for Autosomal recessive ataxia, Beauce type. Last evaluated: 2018-01-13. Review status: criteria provided, single submitter. Criteria: ICSL Variant Classification Criteria 13 December 2019. Collection method: clinical testing. Allele origin: germline.

NM_182961.4(SYNE1):c.17389T>C (p.Ser5797Pro)

Genes: SYNE1 (spectrin repeat containing nuclear envelope protein 1; minus strand), LOC129997480 (ATAC-STARR-seq lymphoblastoid active region 25287; plus strand). Cytogenetic location: 6q25.2.
Variant type: single nucleotide variant.
Coding change: c.17389T>C on transcript NM_182961.4 (MANE Select); coding-DNA position 17389, T replaced by C.
Protein change: p.Ser5797Pro; replaces serine 5797 with proline.
Molecular consequence: missense variant.
Genome position (GRCh38, 1-based): chr6:152,302,021, A>G on the plus strand (T>C on the coding strand, the complement: SYNE1 is on the minus strand). VCF-style: chr6-152302021-A-G. GRCh37 (hg19) VCF-style: chr6-152623156-A-G.
Other names: c.17176T>C, p.Ser5726Pro (NM_033071.5); short protein forms S5726P, S5797P.
Identifiers: ClinVar variation 907775 (VCV000907775.10), dbSNP rs753335678, ClinGen allele CA4055234.